The following is an entry in ClinVar:

ClinVar aggregate classification (germline): Conflicting classifications of pathogenicity. Review status: criteria provided, conflicting classifications (1 of 4 stars). 8 submissions from 8 submitters: Uncertain significance (7); Likely benign (1). Last evaluated 2026-01-14.

Conditions:
Hereditary cancer-predisposing syndrome. Also called: Tumor predisposition; Neoplastic Syndromes, Hereditary; Hereditary Cancer Syndrome; Hereditary neoplastic syndrome. Identifiers: Orphanet 140162, MedGen C0027672, MeSH D009386, MONDO:0015356.
Familial adenomatous polyposis 1 (FAP1). Also called: POLYPOSIS, ADENOMATOUS INTESTINAL; FAMILIAL ADENOMATOUS POLYPOSIS 1, ATTENUATED. Identifiers: MedGen C2713442, MONDO:0021056, OMIM 175100. Disease mechanism: loss of function.
Desmoid disease, hereditary (DESMD). Also called: FIBROMATOSIS, FAMILIAL INFILTRATIVE. Identifiers: Orphanet 873, MedGen C1851124, OMIM 135290. Disease mechanism: loss of function.

Submissions (8):

Labcorp Genetics (formerly Invitae), Labcorp
Classification: Uncertain significance for Familial adenomatous polyposis 1. Last evaluated: 2026-01-14. Review status: criteria provided, single submitter. Criteria: Invitae Variant Classification Sherloc (09022015). Collection method: clinical testing. Allele origin: germline.
Comment: This sequence change replaces arginine, which is basic and polar, with isoleucine, which is neutral and non-polar, at codon 945 of the APC protein (p.Arg945Ile). This variant is present in population databases (rs786204162, gnomAD 0.004%). This variant has not been reported in the literature in individuals affected with APC-related conditions. ClinVar contains an entry for this variant (Variation ID: 188226). An algorithm developed to predict the effect of missense changes on protein structure and function (PolyPhen-2) suggests that this variant is likely to be disruptive. In summary, the available evidence is currently insufficient to determine the role of this variant in disease. Therefore, it has been classified as a Variant of Uncertain Significance.

Color Diagnostics, LLC DBA Color Health
Classification: Uncertain significance for Hereditary cancer-predisposing syndrome. Last evaluated: 2024-06-18. Review status: criteria provided, single submitter. Criteria: ACMG Guidelines, 2015. Collection method: clinical testing. Allele origin: germline.
Comment: This missense variant replaces arginine with isoleucine at codon 945 of the APC protein. To our knowledge, functional studies have not been reported for this variant. This variant has not been reported in individuals affected with APC-related disorders in the literature. This variant has not been identified in the general population by the Genome Aggregation Database (gnomAD). The available evidence is insufficient to determine the role of this variant in disease conclusively. Therefore, this variant is classified as a Variant of Uncertain Significance.

Quest Diagnostics Nichols Institute San Juan Capistrano
Classification: Uncertain significance. Last evaluated: 2023-12-05. Review status: criteria provided, single submitter. Criteria: Quest Diagnostics criteria. Collection method: clinical testing. Allele origin: unknown.
Comment: The APC c.2834_2835delinsTT (p.Arg945Ile) variant has been reported in the published literature in an unaffected individual with a family history of colon cancer and colon polyps (PMID: 30374176 (2019)). The frequency of this variant in the general population, 0.00016 (4/25108 chromosomes in European (Finnish) subpopulation (Genome Aggregation Database)), is higher than would generally be expected for pathogenic variants in this gene. Analysis of this variant using bioinformatics tools for the prediction of the effect of amino acid changes on protein structure and function yielded predictions that this variant is damaging. Based on the available information, we are unable to determine the clinical significance of this variant.

GeneDx
Classification: Uncertain significance. Last evaluated: 2023-09-11. Review status: criteria provided, single submitter. Criteria: GeneDx Variant Classification Process June 2021. Collection method: clinical testing. Allele origin: germline. Affected: yes.
Comment: Not observed at significant frequency in large population cohorts (gnomAD); In silico analysis supports a deleterious effect on protein structure/function; Has not been previously published as pathogenic or benign to our knowledge; This variant is associated with the following publications: (PMID: 25925381)

St. Jude Molecular Pathology, St. Jude Children's Research Hospital
Classification: Uncertain significance for Familial adenomatous polyposis 1. Last evaluated: 2022-07-07. Review status: criteria provided, single submitter. Criteria: St. Jude Assertion Criteria 2020. Collection method: clinical testing. Allele origin: germline.
Comment: The APC c.2834_2835delinsTT (p.Arg945Ile) change results from deletion of GG and insertion of TT to cause the substitution of the arginine residue for an isoleucine residue at codon 945. This change has a maximum subpopulation frequency of 0.016% in gnomAD v2.1.1. In silico analysis using PROVEAN predicts a deleterious effect of this variant on protein function (PMID: 23056405), but to our knowledge functional studies have not been performed. This variant has been reported in an unaffected individual with family history of colorectal cancer and colon polyps (PMID: 30374176). In summary, the evidence currently available is insufficient to determine the clinical significance of this variant. It has therefore been classified as of uncertain significance.

CeGaT Center for Human Genetics Tuebingen
Classification: Uncertain significance. Last evaluated: 2022-07-01. Review status: criteria provided, single submitter. Criteria: CeGaT Center For Human Genetics Tuebingen Variant Classification Criteria Version 2. Collection method: clinical testing. Allele origin: germline. Affected: yes. Observed: 1 variant allele.

Department of Pathology and Laboratory Medicine, Sinai Health System
Classification: Uncertain significance for Desmoid disease, hereditary. Last evaluated: 2022-06-23. Review status: criteria provided, single submitter. Criteria: ACMG Guidelines, 2015. Collection method: clinical testing. Allele origin: germline. Affected: yes.

Ambry Genetics
Classification: Likely benign for Hereditary cancer-predisposing syndrome. Last evaluated: 2021-03-09. Review status: criteria provided, single submitter. Criteria: Ambry Variant Classification Scheme 2023. Collection method: clinical testing. Allele origin: germline.

Literature cited by the submitters: PubMed 30374176 (cited by Quest Diagnostics Nichols Institute San Juan Capistrano).

NM_000038.6(APC):c.2834_2835delinsTT (p.Arg945Ile)

Gene: APC (APC regulator of Wnt signaling pathway; plus strand). Cytogenetic location: 5q22.2.
Variant type: Indel.
Coding change: c.2834_2835delinsTT on transcript NM_000038.6 (MANE Select); coding-DNA positions 2834 to 2835, GG replaced by TT.
Protein change: p.Arg945Ile; replaces arginine 945 with isoleucine.
Molecular consequence: missense variant.
Genome position (GRCh38, 1-based): chr5:112,838,428-112,838,429, GG replaced by TT. VCF-style: chr5-112838428-GG-TT. GRCh37 (hg19) VCF-style: chr5-112174125-GG-TT.
Other names: c.2834_2835delinsTT, p.Arg945Ile (NM_001127510.3, NM_001354895.2); c.2780_2781delinsTT, p.Arg927Ile (NM_001127511.3); c.2888_2889delinsTT, p.Arg963Ile (NM_001354896.2); c.2864_2865delinsTT, p.Arg955Ile (NM_001354897.2); c.2759_2760delinsTT, p.Arg920Ile (NM_001354898.2); c.2750_2751delinsTT, p.Arg917Ile (NM_001354899.2); c.2711_2712delinsTT, p.Arg904Ile (NM_001354900.2); c.2657_2658delinsTT, p.Arg886Ile (NM_001354901.2); and 6 more; short protein forms R819I, R955I, R963I, R662I, R844I, R886I, R917I, R785I.
Identifiers: ClinVar variation 188226 (VCV000188226.55), dbSNP rs786204162, ClinGen allele CA007835.